The following is an entry in ClinVar:

NM_003470.3(USP7):c.721-1G>C

Gene: USP7 (ubiquitin specific peptidase 7; minus strand). Cytogenetic location: 16p13.2.
Variant type: single nucleotide variant.
Coding change: c.721-1G>C on transcript NM_003470.3 (MANE Select); the canonical splice acceptor site of the intron before coding-DNA position 721, G replaced by C.
Molecular consequence: splice acceptor variant.
Genome position (GRCh38, 1-based): chr16:8,917,157, C>G on the plus strand (G>C on the coding strand, the complement: USP7 is on the minus strand). VCF-style: chr16-8917157-C-G. GRCh37 (hg19) VCF-style: chr16-9011014-C-G.
Other names: c.547-1G>C (NM_001321858.2); c.673-1G>C (NM_001286457.2); c.424-1G>C (NM_001286458.2).
Identifiers: ClinVar variation 2500246 (VCV002500246.3), dbSNP rs2549242612, ClinGen allele CA394704163.
Genomic context (GRCh38, chr16:8,917,157, plus strand): 5'-TAATGCTAAAGGGACGCTTTTAGACGAATCATCCCCCTCGGTTGGCATCATGTACACAGC[C>G]TGAAACAATTAAGAAATAAGAATTTTTACTCTGAGAAGATGCAGGGGAATTTAAAAAACA-3'

ClinVar aggregate classification (germline): Likely pathogenic (0 of 4 stars; one submission).

Conditions:
Hao-Fountain syndrome (HAFOUS). Identifiers: Orphanet 643549, MedGen C5393908, MONDO:0014805.
USP7-related disorder. Also called: USP7-related condition.

Submission:

Human Genetics Laboratory, Amsterdam University Medical Center
Classification: Likely pathogenic for Hao-Fountain syndrome due to USP7 mutation. Last evaluated: 2023-04-27. Review status: no assertion criteria provided. Collection method: clinical testing. Allele origin: unknown. Affected: yes.